The following is an entry in ClinVar:

NM_002382.5(MAX):c.446C>T (p.Pro149Leu)

Gene: MAX (MYC associated transcriptional regulator X; minus strand). Cytogenetic location: 14q23.3.
Variant type: single nucleotide variant.
Coding change: c.446C>T on transcript NM_002382.5 (MANE Select); coding-DNA position 446, C replaced by T.
Protein change: p.Pro149Leu; replaces proline 149 with leucine.
Molecular consequence: missense variant. On other transcripts: 3 prime UTR variant (12), non-coding transcript variant (7), intron variant (2).
Genome position (GRCh38, 1-based): chr14:65,076,513, G>A on the plus strand (C>T on the coding strand, the complement: MAX is on the minus strand). VCF-style: chr14-65076513-G-A. GRCh37 (hg19) VCF-style: chr14-65543231-G-A.
Other names: c.257C>T, p.Pro86Leu (NM_001320415.2, NM_001407105.1, NM_001407106.1 and 1 more transcripts); c.446C>T, p.Pro149Leu (NM_001407094.1); c.419C>T, p.Pro140Leu (NM_001407095.1, NM_145112.3); c.*219C>T (NM_001407096.1, NM_001407099.1, NM_001407102.1 and 2 more transcripts); c.*235C>T (NM_001407097.1, NM_001407100.1, NM_001407101.1 and 4 more transcripts); c.338C>T, p.Pro113Leu (NM_001407098.1); c.245C>T, p.Pro82Leu (NM_001407111.1, NM_001407112.1); c.144+17195C>T (NM_001271069.2); and 1 more; short protein forms P113L, P140L, P149L, P82L, P86L.
Identifiers: ClinVar variation 3222157 (VCV003222157.3), dbSNP rs1441783757, ClinGen allele CA390031276.
Genomic context (GRCh38, chr14:65,076,513, plus strand): 5'-ATTGCTGGCCTGCCCCGAGTGGCTTAGCTGGCCTCCATCCGGAGCTTCTTCCTGCTTTGG[G>A]GCTCTTCAGGCTCAGACTCCGAGCTGGAGTCCGAGCCCCCATCGAAGGCAGAGATGGTGC-3'
Protein context (NP_002373.3, residues 139-159): DSSSESEPEE[Pro149Leu]QSRKKLRMEA

ClinVar aggregate classification (germline): Uncertain significance. Review status: criteria provided, multiple submitters, no conflicts (2 of 4 stars). 2 submissions from 2 submitters: Uncertain significance (2). Last evaluated 2024-07-16.

Conditions:
Hereditary cancer-predisposing syndrome. Also called: Hereditary neoplastic syndrome; Neoplastic Syndromes, Hereditary; Tumor predisposition; Hereditary Cancer Syndrome. Identifiers: Orphanet 140162, MedGen C0027672, MeSH D009386, MONDO:0015356.
Hereditary pheochromocytoma and paraganglioma. Also called: Hereditary pheochromocytoma-paraganglioma; Hereditary Paraganglioma-Pheochromocytoma Syndromes; Hereditary paragangliomas and pheochromocytomas. Identifiers: Orphanet 29072, MedGen C4274332, MONDO:0017366.

gnomAD v4.1: 3 of 1,613,906 alleles (0.00019%); highest among the groups gnomAD compares: East Asian, 0.0022%; no homozygotes.

Submissions (2):

Labcorp Genetics (formerly Invitae), Labcorp
Classification: Uncertain significance for Hereditary pheochromocytoma and paraganglioma. Last evaluated: 2024-07-16. Review status: criteria provided, single submitter. Criteria: Invitae Variant Classification Sherloc (09022015). Collection method: clinical testing. Allele origin: germline.
Comment: This sequence change replaces proline, which is neutral and non-polar, with leucine, which is neutral and non-polar, at codon 149 of the MAX protein (p.Pro149Leu). This variant is present in population databases (no rsID available, gnomAD 0.006%). This variant has not been reported in the literature in individuals affected with MAX-related conditions. An algorithm developed to predict the effect of missense changes on protein structure and function (PolyPhen-2) suggests that this variant is likely to be tolerated. In summary, the available evidence is currently insufficient to determine the role of this variant in disease. Therefore, it has been classified as a Variant of Uncertain Significance.

Ambry Genetics
Classification: Uncertain significance for Hereditary cancer-predisposing syndrome. Last evaluated: 2024-01-23. Review status: criteria provided, single submitter. Criteria: Ambry Variant Classification Scheme 2023. Collection method: clinical testing. Allele origin: germline.
Comment: The p.P149L variant (also known as c.446C>T), located in coding exon 5 of the MAX gene, results from a C to T substitution at nucleotide position 446. The proline at codon 149 is replaced by leucine, an amino acid with similar properties. This amino acid position is highly conserved in available vertebrate species. In addition, the in silico prediction for this alteration is inconclusive. Based on the available evidence, the clinical significance of this alteration remains unclear.